The following is an entry in ClinVar:

ClinVar aggregate classification (germline): Conflicting classifications of pathogenicity. Review status: criteria provided, conflicting classifications (1 of 4 stars). 11 submissions from 10 submitters: Uncertain significance (3); Likely benign (5). 3 of the submissions do not count toward it. Last evaluated 2026-02-03.

Conditions:
Meckel-Gruber syndrome. Also called: DYSENCEPHALIA SPLANCHNOCYSTICA; GRUBER SYNDROME; Dysencephalia splachnocystica. Identifiers: Orphanet 564, MedGen C0265215, MONDO:0018921.
Joubert syndrome. Also called: Familial aplasia of the vermis; JOUBERT-BOLTSHAUSER SYNDROME. Identifiers: Orphanet 475, MedGen C5979921, MONDO:0018772.
Joubert syndrome 9 (JBTS9). Identifiers: Orphanet 2318, MedGen C2676788, MONDO:0012849, OMIM 612285.
Meckel syndrome, type 6. Identifiers: Orphanet 564, MedGen C2676790, MONDO:0012848, OMIM 612284.

Allele frequency attached by ClinVar (database versions not stated): 1000 Genomes Project 0.00040; 1000 Genomes Project 30x 0.00047; gnomAD exomes 0.00050 and 0.00088; gnomAD 0.00055 and 0.00059; TOPMed 0.00059; ExAC 0.00065; ESP Exome Variant Server 0.00100.

Submissions (11):

Labcorp Genetics (formerly Invitae), Labcorp
Classification: Likely benign for Joubert syndrome; Meckel-Gruber syndrome. Last evaluated: 2026-02-03. Review status: criteria provided, single submitter. Criteria: Invitae Variant Classification Sherloc (09022015). Collection method: clinical testing. Allele origin: germline.

CeGaT Center for Human Genetics Tuebingen
Classification: Likely benign. Last evaluated: 2025-06-01. Review status: criteria provided, single submitter. Criteria: CeGaT Center For Human Genetics Tuebingen Variant Classification Criteria Version 2. Collection method: clinical testing. Allele origin: germline. Affected: yes. Observed: 4 variant alleles.
Comment: CC2D2A: BP4, BP7

Blueprint Genetics
Classification: Likely benign. Last evaluated: 2024-11-26. Review status: criteria provided, single submitter. Criteria: ACMG Guidelines, 2015. Collection method: clinical testing. Allele origin: germline.

GeneDx
Classification: Likely benign. Last evaluated: 2020-01-21. Review status: criteria provided, single submitter. Criteria: GeneDx Variant Classification Process June 2021. Collection method: clinical testing. Allele origin: germline. Affected: yes.

Eurofins Ntd Llc (ga)
Classification: Uncertain significance. Last evaluated: 2018-05-15. Review status: criteria provided, single submitter. Criteria: EGL ClinVar v180209 classification definitions. Collection method: clinical testing. Allele origin: germline. Observed: 9 variant alleles, 9 heterozygotes.

Illumina Laboratory Services, Illumina
Classification: Uncertain significance for Joubert syndrome 9. Last evaluated: 2018-01-12. Review status: criteria provided, single submitter. Criteria: ICSL Variant Classification Criteria 13 December 2019. Collection method: clinical testing. Allele origin: germline.

Illumina Laboratory Services, Illumina
Classification: Uncertain significance for Meckel syndrome, type 6. Last evaluated: 2018-01-12. Review status: criteria provided, single submitter. Criteria: ICSL Variant Classification Criteria 13 December 2019. Collection method: clinical testing. Allele origin: germline.

PreventionGenetics, part of Exact Sciences
Classification: Likely benign. Review status: criteria provided, single submitter. Criteria: ACMG Guidelines, 2015. Collection method: clinical testing. Allele origin: germline.

Clinical Genetics DNA and cytogenetics Diagnostics Lab, Erasmus MC, Erasmus Medical Center
Classification: Likely benign. Review status: no assertion criteria provided. Collection method: clinical testing. Allele origin: germline. Affected: yes. Study: VKGL Data-share Consensus. Not counted in ClinVar's aggregate classification.

Clinical Genetics, Academic Medical Center
Classification: Benign. Review status: no assertion criteria provided. Collection method: clinical testing. Allele origin: germline. Affected: yes. Study: VKGL Data-share Consensus. Not counted in ClinVar's aggregate classification.

Genome Diagnostics Laboratory, University Medical Center Utrecht
Classification: Likely benign. Review status: no assertion criteria provided. Collection method: clinical testing. Allele origin: germline. Affected: yes. Study: VKGL Data-share Consensus. Not counted in ClinVar's aggregate classification.

NM_001378615.1(CC2D2A):c.355T>C (p.Leu119=)

Genes: CC2D2A (coiled-coil and C2 domain containing 2A; plus strand), FBXL5 (F-box and leucine rich repeat protein 5; minus strand). Cytogenetic location: 4p15.32.
Variant type: single nucleotide variant.
Coding change: c.355T>C on transcript NM_001378615.1 (MANE Select); coding-DNA position 355, T replaced by C.
Protein change: p.Leu119=; no amino-acid change (leucine 119 retained).
Molecular consequence: synonymous variant.
Genome position (GRCh38, 1-based): chr4:15,502,840, T>C. VCF-style: chr4-15502840-T-C. GRCh37 (hg19) VCF-style: chr4-15504463-T-C.
Other names: c.355T>C, p.Leu119= (NM_001080522.2); c.208T>C, p.Leu70= (NM_001378617.1).
Identifiers: ClinVar variation 198452 (VCV000198452.50), dbSNP rs202150325, ClinGen allele CA247115.